The following is an entry in ClinVar:

ClinVar aggregate classification (germline): Uncertain significance (1 of 4 stars; one submission).

Conditions:
Inborn genetic diseases. Identifiers: MedGen C0950123, MeSH D030342.

Submission:

Ambry Genetics
Classification: Uncertain significance for Inborn genetic diseases. Last evaluated: 2025-07-01. Review status: criteria provided, single submitter. Criteria: Ambry Variant Classification Scheme 2023. Collection method: clinical testing. Allele origin: germline.
Comment: The p.I376V variant (also known as c.1126A>G), located in coding exon 9 of the KDM1A gene, results from an A to G substitution at nucleotide position 1126. The isoleucine at codon 376 is replaced by valine, an amino acid with highly similar properties. This amino acid position is conserved. In addition, the in silico prediction for this alteration is inconclusive. Based on the available evidence, the clinical significance of this variant remains unclear.

NM_001009999.3(KDM1A):c.1126A>G (p.Ile376Val)

Gene: KDM1A (lysine demethylase 1A; plus strand). Cytogenetic location: 1p36.12.
Variant type: single nucleotide variant.
Coding change: c.1126A>G on transcript NM_001009999.3 (MANE Select); coding-DNA position 1126, A replaced by G.
Protein change: p.Ile376Val; replaces isoleucine 376 with valine.
Molecular consequence: missense variant.
Genome position (GRCh38, 1-based): chr1:23,059,126, A>G. VCF-style: chr1-23059126-A-G. GRCh37 (hg19) VCF-style: chr1-23385619-A-G.
Other names: c.1066A>G, p.Ile356Val (NM_001363654.2, NM_001410763.1, NM_015013.4); c.1126A>G, p.Ile376Val (NM_001410762.1); short protein forms I356V, I376V.
Identifiers: ClinVar variation 4091040 (VCV004091040.1).